The following is an entry in ClinVar:

ClinVar aggregate classification (germline): Uncertain significance (1 of 4 stars; one submission).

Conditions:
Brugada syndrome. Also called: Sudden unexpected nocturnal death syndrome; Sudden Unexplained Death Syndrome; Sudden Unexplained Nocturnal Death Syndrome (SUNDS); Sudden unexplained nocturnal death syndrome. Identifiers: Orphanet 130, MedGen C1142166, MONDO:0015263.

Allele frequency attached by ClinVar (database versions not stated): gnomAD exomes below 0.00001.
gnomAD v4.1: 2 of 1,613,582 alleles (0.00012%); highest among the groups gnomAD compares: African/African-American, 0.0013%; no homozygotes.

Submission:

Labcorp Genetics (formerly Invitae), Labcorp
Classification: Uncertain significance for Brugada syndrome. Last evaluated: 2022-03-19. Review status: criteria provided, single submitter. Criteria: Invitae Variant Classification Sherloc (09022015). Collection method: clinical testing. Allele origin: germline.
Comment: In summary, the available evidence is currently insufficient to determine the role of this variant in disease. Therefore, it has been classified as a Variant of Uncertain Significance. Algorithms developed to predict the effect of missense changes on protein structure and function (SIFT, PolyPhen-2, Align-GVGD) all suggest that this variant is likely to be disruptive. ClinVar contains an entry for this variant (Variation ID: 1019899). This variant has not been reported in the literature in individuals affected with GPD1L-related conditions. This variant is not present in population databases (gnomAD no frequency). This sequence change replaces proline, which is neutral and non-polar, with leucine, which is neutral and non-polar, at codon 96 of the GPD1L protein (p.Pro96Leu).

NM_015141.4(GPD1L):c.287C>T (p.Pro96Leu)

Gene: GPD1L (glycerol-3-phosphate dehydrogenase 1 like; plus strand). Cytogenetic location: 3p22.3.
Variant type: single nucleotide variant.
Coding change: c.287C>T on transcript NM_015141.4 (MANE Select); coding-DNA position 287, C replaced by T.
Protein change: p.Pro96Leu; replaces proline 96 with leucine.
Molecular consequence: missense variant.
Genome position (GRCh38, 1-based): chr3:32,138,648, C>T. VCF-style: chr3-32138648-C-T. GRCh37 (hg19) VCF-style: chr3-32180140-C-T.
Other names: short protein forms P96L.
Identifiers: ClinVar variation 1019899 (VCV001019899.5), dbSNP rs1700699549, ClinGen allele CA351974244.
Genomic context (GRCh38, chr3:32,138,648, plus strand): 5'-TTGCCATGTCAAATCTTAGCGAGGCTGTGCAGGATGCAGACCTGCTGGTGTTTGTCATTC[C>T]CCACCAGTTCATTCACAGAATCTGTGATGAGATCACTGGGAGAGTGCCCAAGAAAGCGCT-3'
Protein context (NP_055956.1, residues 86-106): QDADLLVFVI[Pro96Leu]HQFIHRICDE